The following is an entry in ClinVar:

ClinVar aggregate classification (germline): Likely benign. Review status: criteria provided, multiple submitters, no conflicts (2 of 4 stars). 2 submissions from 2 submitters: Likely benign (2). Last evaluated 2024-08-06.

Conditions:
Hereditary cancer-predisposing syndrome. Also called: Tumor predisposition; Hereditary Cancer Syndrome; Hereditary neoplastic syndrome; Neoplastic Syndromes, Hereditary. Identifiers: Orphanet 140162, MedGen C0027672, MeSH D009386, MONDO:0015356.
Hereditary breast ovarian cancer syndrome. Also called: Breast and ovarian cancer; Hereditary breast and/or ovarian cancer syndrome; BRCA1- and BRCA2-Associated Hereditary Breast and Ovarian Cancer; Hereditary breast and ovarian cancer syndrome; Hereditary breast and ovarian cancer syndrome (HBOC); Hereditary breast and ovarian cancer. Identifiers: Orphanet 145, MedGen C0677776, MeSH D061325, MONDO:0003582. Disease mechanism: loss of function.

Submissions (3):

Labcorp Genetics (formerly Invitae), Labcorp
Classification: Likely benign for Hereditary breast ovarian cancer syndrome. Last evaluated: 2024-08-06. Review status: criteria provided, single submitter. Criteria: Invitae Variant Classification Sherloc (09022015). Collection method: clinical testing. Allele origin: germline.

Color Diagnostics, LLC DBA Color Health
Classification: Likely benign for Hereditary cancer-predisposing syndrome. Last evaluated: 2017-09-14. Review status: criteria provided, single submitter. Criteria: ACMG Guidelines, 2015. Collection method: clinical testing. Allele origin: germline.

Brotman Baty Institute, University of Washington
No classification provided (evidence only). Condition: Breast-ovarian cancer, familial 1. Review status: no classification provided. Collection method: in vitro. Allele origin: not applicable. Functional consequence: functionally_normal. Not counted in ClinVar's aggregate classification.
ClinVar note: "not provided" was previously submitted as the classification for the variant. However, the classification appeared to be based only on an observation of functional data so it was converted to no classification on 2025-07-30.

NM_007294.4(BRCA1):c.81-17C>A

Gene: BRCA1 (BRCA1 DNA repair associated; minus strand). Cytogenetic location: 17q21.31.
Variant type: single nucleotide variant.
Coding change: c.81-17C>A on transcript NM_007294.4 (MANE Select); 17 bases into the intron before coding-DNA position 81, C replaced by A.
Molecular consequence: intron variant.
Genome position (GRCh38, 1-based): chr17:43,115,796, G>T on the plus strand (C>A on the coding strand, the complement: BRCA1 is on the minus strand). VCF-style: chr17-43115796-G-T. GRCh37 (hg19) VCF-style: chr17-41267813-G-T.
Other names: c.81-17C>A (NM_001407673.1, NM_001408400.1, NM_001408392.1 and 191 more transcripts); c.-177-17C>A (NM_001407724.1, NM_001407746.1, NM_001408468.1 and 13 more transcripts); c.-61-17C>A (NM_001407697.1, NM_001407838.1, NM_001408410.1 and 47 more transcripts); c.-108-17C>A (NM_001408483.1, NM_001407885.1, NM_001407886.1 and 52 more transcripts); c.-219+9481C>A (NM_001407967.1); c.-170+9481C>A (NM_001407959.1); c.-7-9263C>A (NM_001407931.1, NM_001407747.1, NM_001408511.1 and 2 more transcripts); c.-223-17C>A (NM_001407962.1, NM_001408512.1, NM_001408510.1 and 1 more transcripts); and 10 more.
Identifiers: ClinVar variation 491191 (VCV000491191.17), dbSNP rs757442952, ClinGen allele CA658684107.